The following is an entry in ClinVar:

NM_004667.6(HERC2):c.4054C>T (p.His1352Tyr)

Gene: HERC2 (HECT and RLD domain containing E3 ubiquitin protein ligase 2; minus strand). Cytogenetic location: 15q13.1.
Variant type: single nucleotide variant.
Coding change: c.4054C>T on transcript NM_004667.6 (MANE Select); coding-DNA position 4054, C replaced by T.
Protein change: p.His1352Tyr; replaces histidine 1352 with tyrosine.
Molecular consequence: missense variant.
Genome position (GRCh38, 1-based): chr15:28,234,234, G>A on the plus strand (C>T on the coding strand, the complement: HERC2 is on the minus strand). VCF-style: chr15-28234234-G-A. GRCh37 (hg19) VCF-style: chr15-28479380-G-A.
Other names: short protein forms H1352Y.
Identifiers: ClinVar variation 4537935 (VCV004537935.1).

ClinVar aggregate classification (germline): Uncertain significance (1 of 4 stars; one submission).

Submission:

GeneDx
Classification: Uncertain significance. Last evaluated: 2025-06-10. Review status: criteria provided, single submitter. Criteria: GeneDx Variant Classification Process June 2021. Collection method: clinical testing. Allele origin: germline. Affected: yes.
Comment: Not observed at significant frequency in large population cohorts (gnomAD); In silico analysis suggests that this missense variant does not alter protein structure/function; Has not been previously published as pathogenic or benign to our knowledge